The following is an entry in ClinVar:

ClinVar aggregate classification (germline): Uncertain significance (1 of 4 stars; one submission).

gnomAD v4.1: 1 of 1,614,096 alleles (0.000062%); highest among the groups gnomAD compares: Non-Finnish European, 0.000085%; no homozygotes.

Submission:

Labcorp Genetics (formerly Invitae), Labcorp
Classification: Uncertain significance. Last evaluated: 2024-06-11. Review status: criteria provided, single submitter. Criteria: Invitae Variant Classification Sherloc (09022015). Collection method: clinical testing. Allele origin: germline.
Comment: This sequence change replaces lysine, which is basic and polar, with arginine, which is basic and polar, at codon 505 of the MYLK3 protein (p.Lys505Arg). This variant is not present in population databases (gnomAD no frequency). This variant has not been reported in the literature in individuals affected with MYLK3-related conditions. Algorithms developed to predict the effect of missense changes on protein structure and function output the following: SIFT: "Not Available"; PolyPhen-2: "Benign"; Align-GVGD: "Not Available". The arginine amino acid residue is found in multiple mammalian species, which suggests that this missense change does not adversely affect protein function. Algorithms developed to predict the effect of sequence changes on RNA splicing suggest that this variant may disrupt the consensus splice site. In summary, the available evidence is currently insufficient to determine the role of this variant in disease. Therefore, it has been classified as a Variant of Uncertain Significance.

NM_182493.3(MYLK3):c.1514A>G (p.Lys505Arg)

Gene: MYLK3 (myosin light chain kinase 3; minus strand). Cytogenetic location: 16q11.2.
Variant type: single nucleotide variant.
Coding change: c.1514A>G on transcript NM_182493.3 (MANE Select); coding-DNA position 1514, A replaced by G.
Protein change: p.Lys505Arg; replaces lysine 505 with arginine.
Molecular consequence: missense variant.
Genome position (GRCh38, 1-based): chr16:46,730,647, T>C on the plus strand (A>G on the coding strand, the complement: MYLK3 is on the minus strand). VCF-style: chr16-46730647-T-C. GRCh37 (hg19) VCF-style: chr16-46764559-T-C.
Other names: c.491A>G, p.Lys164Arg (NM_001308301.1); short protein forms K164R, K505R.
Identifiers: ClinVar variation 3700941 (VCV003700941.2).